The following is an entry in ClinVar:

ClinVar aggregate classification (germline): Likely benign. Review status: criteria provided, multiple submitters, no conflicts (2 of 4 stars). 2 submissions from 2 submitters: Likely benign (2). Last evaluated 2024-10-03.

Allele frequency attached by ClinVar (database versions not stated): gnomAD 0.00004 and 0.00005; ESP Exome Variant Server 0.00016; 1000 Genomes Project 0.00020; 1000 Genomes Project 30x 0.00031; gnomAD exomes 0.00002; TOPMed 0.00003; ExAC 0.00004.

Submissions (2):

Labcorp Genetics (formerly Invitae), Labcorp
Classification: Likely benign. Last evaluated: 2024-10-03. Review status: criteria provided, single submitter. Criteria: Invitae Variant Classification Sherloc (09022015). Collection method: clinical testing. Allele origin: germline.

GeneDx
Classification: Likely benign. Last evaluated: 2016-11-18. Review status: criteria provided, single submitter. Criteria: GeneDx Variant Classification (06012015). Collection method: clinical testing. Allele origin: germline. Affected: yes.
Comment: This variant is considered likely benign or benign based on one or more of the following criteria: it is a conservative change, it occurs at a poorly conserved position in the protein, it is predicted to be benign by multiple in silico algorithms, and/or has population frequency not consistent with disease.

NM_139242.4(MTFMT):c.318C>T (p.Pro106=)

Gene: MTFMT (mitochondrial methionyl-tRNA formyltransferase; minus strand). Cytogenetic location: 15q22.31.
Variant type: single nucleotide variant.
Coding change: c.318C>T on transcript NM_139242.4 (MANE Select); coding-DNA position 318, C replaced by T.
Protein change: p.Pro106=; no amino-acid change (proline 106 retained).
Molecular consequence: synonymous variant.
Genome position (GRCh38, 1-based): chr15:65,026,932, G>A on the plus strand (C>T on the coding strand, the complement: MTFMT is on the minus strand). VCF-style: chr15-65026932-G-A. GRCh37 (hg19) VCF-style: chr15-65319270-G-A.
Identifiers: ClinVar variation 391034 (VCV000391034.3), dbSNP rs200372468, ClinGen allele CA7613395.